The following is an entry in ClinVar:

ClinVar aggregate classification (germline): Uncertain significance (1 of 4 stars; one submission).

Conditions:
SEMA3B-related disorder. Also called: SEMA3B-related condition.

Submission:

PreventionGenetics, part of Exact Sciences
Classification: Uncertain significance for SEMA3B-related condition. Last evaluated: 2026-04-14. Review status: criteria provided, single submitter. Criteria: ACMG Guidelines, 2015. Collection method: clinical testing. Allele origin: germline.
Comment: The SEMA3B c.278C>T variant is predicted to result in the amino acid substitution p.Pro93Leu. To our knowledge, this variant has not been reported in the literature. This variant is reported in 0.011% of alleles in individuals of African descent in gnomAD. At this time, the clinical significance of this variant is uncertain due to the absence of conclusive functional and genetic evidence.

NM_001290060.2(SEMA3B):c.278C>T (p.Pro93Leu)

Gene: SEMA3B (semaphorin 3B; plus strand). Cytogenetic location: 3p21.31.
Variant type: single nucleotide variant.
Coding change: c.278C>T on transcript NM_001290060.2 (MANE Select); coding-DNA position 278, C replaced by T.
Protein change: p.Pro93Leu; replaces proline 93 with leucine.
Molecular consequence: missense variant.
Genome position (GRCh38, 1-based): chr3:50,270,443, C>T. VCF-style: chr3-50270443-C-T. GRCh37 (hg19) VCF-style: chr3-50307874-C-T.
Other names: c.278C>T, p.Pro93Leu (NM_001005914.3, NM_001290061.1, NM_001435956.1 and 3 more transcripts); short protein forms P93L.
Identifiers: ClinVar variation 4988757 (VCV004988757.1).